The following is an entry in ClinVar:

NM_016616.5(NME8):c.983A>G (p.His328Arg)

Gene: NME8 (NME/NM23 family member 8; plus strand). Cytogenetic location: 7p14.1.
Variant type: single nucleotide variant.
Coding change: c.983A>G on transcript NM_016616.5 (MANE Select); coding-DNA position 983, A replaced by G.
Protein change: p.His328Arg; replaces histidine 328 with arginine.
Molecular consequence: missense variant.
Genome position (GRCh38, 1-based): chr7:37,876,996, A>G. VCF-style: chr7-37876996-A-G. GRCh37 (hg19) VCF-style: chr7-37916598-A-G.
Other names: short protein forms H328R.
Identifiers: ClinVar variation 4799099 (VCV004799099.1).

ClinVar aggregate classification (germline): Uncertain significance (1 of 4 stars; one submission).

Conditions:
Primary ciliary dyskinesia 6. Also called: Primary Ciliary Dyskinesia 6: TXNDC3-Related Primary Ciliary Dyskinesia. Identifiers: Orphanet 244, MedGen C1970506, MONDO:0012571, OMIM 610852.

gnomAD v4.1: 7 of 1,612,268 alleles (0.00043%); highest among the groups gnomAD compares: East Asian, 0.016%; no homozygotes.

Submission:

Labcorp Genetics (formerly Invitae), Labcorp
Classification: Uncertain significance for Primary ciliary dyskinesia 6. Last evaluated: 2025-02-20. Review status: criteria provided, single submitter. Criteria: Invitae Variant Classification Sherloc (09022015). Collection method: clinical testing. Allele origin: germline.
Comment: This sequence change replaces histidine, which is basic and polar, with arginine, which is basic and polar, at codon 328 of the NME8 protein (p.His328Arg). This variant is present in population databases (rs765634843, gnomAD 0.006%). This variant has not been reported in the literature in individuals affected with NME8-related conditions. Invitae Evidence Modeling of protein sequence and biophysical properties (such as structural, functional, and spatial information, amino acid conservation, physicochemical variation, residue mobility, and thermodynamic stability) indicates that this missense variant is not expected to disrupt NME8 protein function with a negative predictive value of 80%. In summary, the available evidence is currently insufficient to determine the role of this variant in disease. Therefore, it has been classified as a Variant of Uncertain Significance.